The following is an entry in ClinVar:

NM_000256.3(MYBPC3):c.1754del (p.Val585fs)

Gene: MYBPC3 (myosin binding protein C3; minus strand). Cytogenetic location: 11p11.2.
Variant type: Deletion.
Coding change: c.1754del on transcript NM_000256.3 (MANE Select); coding-DNA position 1754, one base deleted (T; older notation c.1754delT).
Protein change: p.Val585fs; shifts the reading frame from valine 585.
Molecular consequence: frameshift variant.
Genome position (GRCh38, 1-based): chr11:47,342,027, A deleted on the plus strand (T on the coding strand, the reverse complement: MYBPC3 is on the minus strand). VCF-style (leftmost placement, unchanged base first): chr11-47342026-CA-C. GRCh37 (hg19) VCF-style: chr11-47363577-CA-C.
Other names: short protein forms V585fs.
Identifiers: ClinVar variation 4890702 (VCV004890702.1).
Genomic context (GRCh38, chr11:47,342,026, plus strand): 5'-CCATCCACCTGCCCTGCACACTCACCGCCCGATGTGGGACACCTTTATGCGGCTGTCGGG[CA>C]CCAGCTCCTTCCCATTCTTCAGCCACACACCCCGAACATTCTCATCTGAGACCTCACATT-3'

ClinVar aggregate classification (germline): Likely pathogenic (1 of 4 stars; one submission).

Conditions:
Hypertrophic cardiomyopathy 4. Also called: Familial hypertrophic cardiomyopathy 4. Identifiers: MedGen C1861862, MONDO:0007268, OMIM 115197.

Submission:

Institute of Human Genetics, University of Leipzig Medical Center
Classification: Likely pathogenic for Hypertrophic cardiomyopathy 4. Last evaluated: 2026-07-10. Review status: criteria provided, single submitter. Criteria: ACMG Guidelines, 2015. Collection method: clinical testing. Allele origin: unknown. Inheritance: Autosomal dominant inheritance. Affected: yes.
Comment: Criteria applied: PVS1,PM2_SUP